The following is an entry in ClinVar:

NM_000181.4(GUSB):c.447C>T (p.Phe149=)

Gene: GUSB (glucuronidase beta; minus strand). Cytogenetic location: 7q11.21.
Variant type: single nucleotide variant.
Coding change: c.447C>T on transcript NM_000181.4 (MANE Select); coding-DNA position 447, C replaced by T.
Protein change: p.Phe149=; no amino-acid change (phenylalanine 149 retained).
Molecular consequence: synonymous variant. On other transcripts: non-coding transcript variant (1), intron variant (2).
Genome position (GRCh38, 1-based): chr7:65,979,861, G>A on the plus strand (C>T on the coding strand, the complement: GUSB is on the minus strand). VCF-style: chr7-65979861-G-A. GRCh37 (hg19) VCF-style: chr7-65444848-G-A.
Other names: c.447C>T (NM_000181.3); c.447C>T, p.Phe149= (NM_001284290.2); c.67+363C>T (NM_001293105.2); c.12-320C>T (NM_001293104.2).
Identifiers: ClinVar variation 1156249 (VCV001156249.10), dbSNP rs148364905, ClinGen allele CA4276633.

ClinVar aggregate classification (germline): Likely benign. Review status: criteria provided, multiple submitters, no conflicts (2 of 4 stars). 2 submissions from 2 submitters: Likely benign (2). Last evaluated 2026-08-10.

Conditions:
Mucopolysaccharidosis type 7 (MPS7). Also called: MPS VII; GUSB DEFICIENCY; BETA-GLUCURONIDASE DEFICIENCY; SLY SYNDROME. Identifiers: Orphanet 584, MedGen C0085132, MONDO:0009662, OMIM 253220.
GUSB-related disorder. Also called: GUSB-related condition.

Allele frequency attached by ClinVar (database versions not stated): ESP Exome Variant Server 0.00015; ExAC 0.00016; gnomAD exomes 0.00009 and 0.00012; gnomAD 0.00011; TOPMed 0.00012.
gnomAD v4.1: 183 of 1,612,858 alleles (0.011%); highest among the groups gnomAD compares: Non-Finnish European, 0.014%; no homozygotes.

Submissions (2):

PreventionGenetics, part of Exact Sciences
Classification: Likely benign for GUSB-related condition. Last evaluated: 2026-08-10. Review status: criteria provided, single submitter. Criteria: ACMG Guidelines, 2015. Collection method: clinical testing. Allele origin: germline.
Comment: This variant is classified as likely benign based on ACMG/AMP sequence variant interpretation guidelines (Richards et al. 2015 PMID: 25741868, with internal and published modifications).

Labcorp Genetics (formerly Invitae), Labcorp
Classification: Likely benign for Mucopolysaccharidosis type 7. Last evaluated: 2026-01-19. Review status: criteria provided, single submitter. Criteria: Invitae Variant Classification Sherloc (09022015). Collection method: clinical testing. Allele origin: germline.